The following is an entry in ClinVar:

ClinVar aggregate classification (germline): Uncertain significance (1 of 4 stars; one submission).

Conditions:
Nemaline myopathy 2 (NEM2). Also called: Nemaline myopathy 2, autosomal recessive. Identifiers: MedGen C1850569, MONDO:0009725, OMIM 256030.

gnomAD v4.1: 2 of 1,493,410 alleles (0.00013%); highest among the groups gnomAD compares: Admixed American, 0.0036%; no homozygotes.

Submission:

Labcorp Genetics (formerly Invitae), Labcorp
Classification: Uncertain significance for Nemaline myopathy 2. Last evaluated: 2022-02-05. Review status: criteria provided, single submitter. Criteria: Invitae Variant Classification Sherloc (09022015). Collection method: clinical testing. Allele origin: germline.
Comment: This sequence change replaces alanine, which is neutral and non-polar, with serine, which is neutral and polar, at codon 1079 of the NEB protein (p.Ala1079Ser). This variant is not present in population databases (gnomAD no frequency). This variant has not been reported in the literature in individuals affected with NEB-related conditions. ClinVar contains an entry for this variant (Variation ID: 647706). Algorithms developed to predict the effect of missense changes on protein structure and function are either unavailable or do not agree on the potential impact of this missense change (SIFT: "Deleterious"; PolyPhen-2: "Not Available"; Align-GVGD: "Class C0"). In summary, the available evidence is currently insufficient to determine the role of this variant in disease. Therefore, it has been classified as a Variant of Uncertain Significance.

NM_001164508.2(NEB):c.3235G>T (p.Ala1079Ser)

Gene: NEB (nebulin; minus strand). Cytogenetic location: 2q23.3.
Variant type: single nucleotide variant.
Coding change: c.3235G>T on transcript NM_001164508.2 (MANE Select); coding-DNA position 3235, G replaced by T.
Protein change: p.Ala1079Ser; replaces alanine 1079 with serine.
Molecular consequence: missense variant.
Genome position (GRCh38, 1-based): chr2:151,679,741, C>A on the plus strand (G>T on the coding strand, the complement: NEB is on the minus strand). VCF-style: chr2-151679741-C-A. GRCh37 (hg19) VCF-style: chr2-152536255-C-A.
Other names: c.3235G>T, p.Ala1079Ser (NM_001164507.2, NM_001271208.2, NM_004543.5); short protein forms A1079S.
Identifiers: ClinVar variation 647706 (VCV000647706.8), dbSNP rs1576082029, ClinGen allele CA348820013.